The following is an entry in ClinVar:

ClinVar aggregate classification (germline): Uncertain significance. Review status: criteria provided, multiple submitters, no conflicts (2 of 4 stars). 3 submissions from 3 submitters: Uncertain significance (3). Last evaluated 2025-07-21.

Conditions:
Tumoral calcinosis, hyperphosphatemic, familial, 3. Identifiers: MedGen C4693864, MONDO:0060715, OMIM 617994.

Allele frequency attached by ClinVar (database versions not stated): gnomAD 0.00001 and 0.00002; gnomAD exomes 0.00001; TOPMed 0.00004.

Submissions (3):

Labcorp Genetics (formerly Invitae), Labcorp
Classification: Uncertain significance. Last evaluated: 2025-07-21. Review status: criteria provided, single submitter. Criteria: Invitae Variant Classification Sherloc (09022015). Collection method: clinical testing. Allele origin: germline.
Comment: This sequence change replaces glycine, which is neutral and non-polar, with aspartic acid, which is acidic and polar, at codon 86 of the KL protein (p.Gly86Asp). The frequency data for this variant in the population databases is considered unreliable, as metrics indicate poor data quality at this position in the gnomAD database. This variant has not been reported in the literature in individuals affected with KL-related conditions. ClinVar contains an entry for this variant (Variation ID: 1439474). Invitae Evidence Modeling of protein sequence and biophysical properties (such as structural, functional, and spatial information, amino acid conservation, physicochemical variation, residue mobility, and thermodynamic stability) has been performed for this missense variant. However, the output from this modeling did not meet the statistical confidence thresholds required to predict the impact of this variant on KL protein function. In summary, the available evidence is currently insufficient to determine the role of this variant in disease. Therefore, it has been classified as a Variant of Uncertain Significance.

Ambry Genetics
Classification: Uncertain significance. Last evaluated: 2024-07-10. Review status: criteria provided, single submitter. Criteria: Ambry Variant Classification Scheme 2023. Collection method: clinical testing. Allele origin: germline.

Fulgent Genetics
Classification: Uncertain significance for Tumoral calcinosis, hyperphosphatemic, familial, 3. Last evaluated: 2021-11-30. Review status: criteria provided, single submitter. Criteria: ACMG Guidelines, 2015. Collection method: clinical testing. Allele origin: unknown.

NM_004795.4(KL):c.257G>A (p.Gly86Asp)

Gene: KL (klotho; plus strand). Cytogenetic location: 13q13.1.
Variant type: single nucleotide variant.
Coding change: c.257G>A on transcript NM_004795.4 (MANE Select); coding-DNA position 257, G replaced by A.
Protein change: p.Gly86Asp; replaces glycine 86 with aspartic acid.
Molecular consequence: missense variant.
Genome position (GRCh38, 1-based): chr13:33,016,697, G>A. VCF-style: chr13-33016697-G-A. GRCh37 (hg19) VCF-style: chr13-33590835-G-A.
Other names: c.257G>A (NM_004795.3); short protein forms G86D.
Identifiers: ClinVar variation 1439474 (VCV001439474.9), dbSNP rs1477759912, ClinGen allele CA387780572.
Genomic context (GRCh38, chr13:33,016,697, plus strand): 5'-TCTGGGCCGTGGGCAGCGCCGCCTACCAGACCGAGGGCGGCTGGCAGCAGCACGGCAAGG[G>A]TGCGTCCATCTGGGATACGTTCACCCACCACCCCCTGGCACCCCCGGGAGACTCCCGGAA-3'
Protein context (NP_004786.2, residues 76-96): TEGGWQQHGK[Gly86Asp]ASIWDTFTHH